The following is an entry in ClinVar:

ClinVar aggregate classification (germline): Likely benign. Review status: criteria provided, single submitter (1 of 4 stars). 2 submissions from 2 submitters: Likely benign (1). 1 of the submissions does not count toward it. Last evaluated 2021-10-22.

Conditions:
FAAP24-related disorder. Also called: FAAP24-related condition.

Allele frequency attached by ClinVar (database versions not stated): gnomAD exomes 0.00002; ExAC 0.00004; TOPMed 0.00011; gnomAD 0.00012; 1000 Genomes Project 30x 0.00016; 1000 Genomes Project 0.00020.
gnomAD v4.1: 52 of 1,613,722 alleles (0.0032%); highest among the groups gnomAD compares: African/African-American, 0.057%; no homozygotes.

Submissions (2):

Blueprint Genetics
Classification: Likely benign. Last evaluated: 2021-10-22. Review status: criteria provided, single submitter. Criteria: ACMG Guidelines, 2015. Collection method: clinical testing. Allele origin: germline.

PreventionGenetics, part of Exact Sciences
Classification: Likely benign for FAAP24-related condition. Last evaluated: 2019-07-01. Review status: no assertion criteria provided. Collection method: clinical testing. Allele origin: germline. Not counted in ClinVar's aggregate classification.
Comment: This variant is classified as likely benign based on ACMG/AMP sequence variant interpretation guidelines (Richards et al. 2015 PMID: 25741868, with internal and published modifications).

NM_152266.5(FAAP24):c.21T>C (p.Asp7=)

Gene: FAAP24 (FA core complex associated protein 24; plus strand). Cytogenetic location: 19q13.11.
Variant type: single nucleotide variant.
Coding change: c.21T>C on transcript NM_152266.5 (MANE Select); coding-DNA position 21, T replaced by C.
Protein change: p.Asp7=; no amino-acid change (aspartic acid 7 retained).
Molecular consequence: synonymous variant. On other transcripts: intron variant (1).
Genome position (GRCh38, 1-based): chr19:32,973,217, T>C. VCF-style: chr19-32973217-T-C. GRCh37 (hg19) VCF-style: chr19-33464123-T-C.
Other names: c.-42-843T>C (NM_001300978.2).
Identifiers: ClinVar variation 3043539 (VCV003043539.3), dbSNP rs530097367, ClinGen allele CA9359980.